The following is an entry in ClinVar:

ClinVar aggregate classification (germline): Uncertain significance (1 of 4 stars; one submission).

Conditions:
Inborn genetic diseases. Identifiers: MedGen C0950123, MeSH D030342.

Submission:

Ambry Genetics
Classification: Uncertain significance for Inborn genetic diseases. Last evaluated: 2024-12-25. Review status: criteria provided, single submitter. Criteria: Ambry Variant Classification Scheme 2023. Collection method: clinical testing. Allele origin: germline.
Comment: The p.L1250H variant (also known as c.3749T>A), located in coding exon 1 of the SAMD9L gene, results from a T to A substitution at nucleotide position 3749. The leucine at codon 1250 is replaced by histidine, an amino acid with similar properties. This amino acid position is conserved. In addition, the in silico prediction for this alteration is inconclusive. Based on the available evidence, the clinical significance of this variant remains unclear.

NM_152703.5(SAMD9L):c.3749T>A (p.Leu1250His)

Gene: SAMD9L (sterile alpha motif domain containing 9 like; minus strand). Cytogenetic location: 7q21.2.
Variant type: single nucleotide variant.
Coding change: c.3749T>A on transcript NM_152703.5 (MANE Select); coding-DNA position 3749, T replaced by A.
Protein change: p.Leu1250His; replaces leucine 1250 with histidine.
Molecular consequence: missense variant.
Genome position (GRCh38, 1-based): chr7:93,132,223, A>T on the plus strand (T>A on the coding strand, the complement: SAMD9L is on the minus strand). VCF-style: chr7-93132223-A-T. GRCh37 (hg19) VCF-style: chr7-92761536-A-T.
Other names: c.3749T>A, p.Leu1250His (NM_001303496.3, NM_001303497.3, NM_001303498.3 and 5 more transcripts); short protein forms L1250H.
Identifiers: ClinVar variation 3792250 (VCV003792250.1).